The following is an entry in ClinVar:

NM_000334.4(SCN4A):c.1298T>G (p.Leu433Arg)

Gene: SCN4A (sodium voltage-gated channel alpha subunit 4; minus strand). Cytogenetic location: 17q23.3.
Variant type: single nucleotide variant.
Coding change: c.1298T>G on transcript NM_000334.4 (MANE Select); coding-DNA position 1298, T replaced by G.
Protein change: p.Leu433Arg; replaces leucine 433 with arginine.
Molecular consequence: missense variant.
Genome position (GRCh38, 1-based): chr17:63,964,622, A>C on the plus strand (T>G on the coding strand, the complement: SCN4A is on the minus strand). VCF-style: chr17-63964622-A-C. GRCh37 (hg19) VCF-style: chr17-62041982-A-C.
Other names: short protein forms L433R.
Identifiers: ClinVar variation 1710057 (VCV001710057.2), dbSNP rs767992560, ClinGen allele CA400635089.

ClinVar aggregate classification (germline): Uncertain significance (1 of 4 stars; one submission).

Conditions:
Paramyotonia congenita of Von Eulenburg. Also called: Eulenburg disease; Myotonia congenita intermittens; Von Eulenburg paramyotonia congenita; PARALYSIS PERIODICA PARAMYOTONICA; Paramyotonia Congenita. Identifiers: Orphanet 684, MedGen C0221055, MONDO:0008195, OMIM 168300. Disease mechanism: loss of function.

Submission:

MGZ Medical Genetics Center
Classification: Uncertain significance for Paramyotonia congenita of Von Eulenburg. Last evaluated: 2021-11-03. Review status: criteria provided, single submitter. Criteria: ACMG Guidelines, 2015. Collection method: clinical testing. Allele origin: germline. Affected: yes. Observed: 1 variant allele.
Comment: ACMG criteria applied: PS4_SUP, PM2_SUP, PP1, PP3